The following is an entry in ClinVar:

ClinVar aggregate classification (germline): Uncertain significance (1 of 4 stars; one submission).

Submission:

Labcorp Genetics (formerly Invitae), Labcorp
Classification: Uncertain significance. Last evaluated: 2023-06-09. Review status: criteria provided, single submitter. Criteria: Invitae Variant Classification Sherloc (09022015). Collection method: clinical testing. Allele origin: germline.
Comment: This variant is not present in population databases (gnomAD no frequency). This sequence change replaces aspartic acid, which is acidic and polar, with glutamic acid, which is acidic and polar, at codon 1259 of the COL11A2 protein (p.Asp1259Glu). This variant has not been reported in the literature in individuals affected with COL11A2-related conditions. Advanced modeling of protein sequence and biophysical properties (such as structural, functional, and spatial information, amino acid conservation, physicochemical variation, residue mobility, and thermodynamic stability) performed at Invitae indicates that this missense variant is not expected to disrupt COL11A2 protein function. In summary, the available evidence is currently insufficient to determine the role of this variant in disease. Therefore, it has been classified as a Variant of Uncertain Significance.

NM_080680.3(COL11A2):c.3777T>A (p.Asp1259Glu)

Gene: COL11A2 (collagen type XI alpha 2 chain; minus strand). Cytogenetic location: 6p21.32.
Variant type: single nucleotide variant.
Coding change: c.3777T>A on transcript NM_080680.3 (MANE Select); coding-DNA position 3777, T replaced by A.
Protein change: p.Asp1259Glu; replaces aspartic acid 1259 with glutamic acid.
Molecular consequence: missense variant.
Genome position (GRCh38, 1-based): chr6:33,169,404, A>T on the plus strand (T>A on the coding strand, the complement: COL11A2 is on the minus strand). VCF-style: chr6-33169404-A-T. GRCh37 (hg19) VCF-style: chr6-33137181-A-T.
Other names: c.3597T>A, p.Asp1199Glu (NM_001424108.1); c.2931T>A, p.Asp977Glu (NM_001424109.1); c.2751T>A, p.Asp917Glu (NM_001424110.1, NM_001424111.1); c.1731T>A, p.Asp577Glu (NM_001424112.1); c.3456T>A, p.Asp1152Glu (NM_080679.3); c.3519T>A, p.Asp1173Glu (NM_080681.3); short protein forms D1152E, D577E, D1259E, D917E, D1173E, D1199E, D977E.
Identifiers: ClinVar variation 2720678 (VCV002720678.3), dbSNP rs1362182278, ClinGen allele CA363627523.
Genomic context (GRCh38, chr6:33,169,404, plus strand): 5'-GGGCCTGAGAGGACTCAGCCCCCACTGCCCCAAACTCACAGGGTTCCCTTTGGGGCCATC[A>T]TCGCCTGTGGGGCCTTTAGGCCCTGGTGGCCCTGGCTCTCCTGGCTGCCCCGACTCTCCT-3'
Protein context (NP_542411.2, residues 1249-1269): GPPGPKGPTG[Asp1259Glu]DGPKGNPGPV